The following is an entry in ClinVar:

ClinVar aggregate classification (germline): Conflicting classifications of pathogenicity. Review status: criteria provided, conflicting classifications (1 of 4 stars). 8 submissions from 6 submitters: Uncertain significance (2); Benign (1); Likely benign (5). Last evaluated 2025-10-26.

Conditions:
Hereditary spherocytosis type 3. Also called: SPTA1-Related Spherocytosis; Spherocytosis type 3. Identifiers: Orphanet 822, MedGen C2678338, MONDO:0010053, OMIM 270970.
Pyropoikilocytosis, hereditary. Also called: Pyropoikilocytosis. Identifiers: MedGen C0520739, MONDO:0009948, OMIM 266140, HP:0004839. Disease mechanism: loss of function.
Elliptocytosis 2 (EL2). Also called: ELLIPTOCYTOSIS, RHESUS-UNLINKED TYPE. Identifiers: Orphanet 288, MedGen C1851741, MONDO:0007533, OMIM 130600.

Allele frequency attached by ClinVar (database versions not stated): 1000 Genomes Project 0.00040; 1000 Genomes Project 30x 0.00047; gnomAD 0.00089; TOPMed 0.00093; gnomAD exomes 0.00108; ExAC 0.00115; ESP Exome Variant Server 0.00161.
gnomAD v4.1: 2,078 of 1,614,058 alleles (0.13%); highest among the groups gnomAD compares: South Asian, 0.15%; 2 homozygotes.

Submissions (8):

Labcorp Genetics (formerly Invitae), Labcorp
Classification: Benign. Last evaluated: 2025-10-26. Review status: criteria provided, single submitter. Criteria: Invitae Variant Classification Sherloc (09022015). Collection method: clinical testing. Allele origin: germline.

Mayo Clinic Laboratories, Mayo Clinic
Classification: Likely benign. Last evaluated: 2025-07-09. Review status: criteria provided, single submitter. Criteria: ACMG Guidelines, 2015. Collection method: clinical testing. Allele origin: germline. Observed: 5 variant alleles.

ARUP Laboratories, Molecular Genetics and Genomics, ARUP Laboratories
Classification: Likely benign. Last evaluated: 2025-01-18. Review status: criteria provided, single submitter. Criteria: ARUP Molecular Germline Variant Investigation Process 2024. Collection method: clinical testing. Allele origin: germline.

Blueprint Genetics
Classification: Likely benign. Last evaluated: 2024-11-15. Review status: criteria provided, single submitter. Criteria: ACMG Guidelines, 2015. Collection method: clinical testing. Allele origin: germline.

CeGaT Center for Human Genetics Tuebingen
Classification: Likely benign. Last evaluated: 2023-04-01. Review status: criteria provided, single submitter. Criteria: CeGaT Center For Human Genetics Tuebingen Variant Classification Criteria Version 2. Collection method: clinical testing. Allele origin: germline. Affected: yes. Observed: 2 variant alleles.
Comment: SPTA1: BP4, BP7

Illumina Laboratory Services, Illumina
Classification: Uncertain significance for Hereditary spherocytosis type 3. Last evaluated: 2018-01-12. Review status: criteria provided, single submitter. Criteria: ICSL Variant Classification Criteria 13 December 2019. Collection method: clinical testing. Allele origin: germline.

Illumina Laboratory Services, Illumina
Classification: Likely benign for Elliptocytosis 2. Last evaluated: 2018-01-12. Review status: criteria provided, single submitter. Criteria: ICSL Variant Classification Criteria 13 December 2019. Collection method: clinical testing. Allele origin: germline.
Comment: This variant was observed in the ICSL laboratory as part of a predisposition screen in an ostensibly healthy population. It had not been previously curated by ICSL or reported in the Human Gene Mutation Database (HGMD: prior to June 1st, 2018), and was therefore a candidate for classification through an automated scoring system. Utilizing variant allele frequency, disease prevalence and penetrance estimates, and inheritance mode, an automated score was calculated to assess if this variant is too frequent to cause the disease. Based on the score and internal cut-off values, a variant classified as likely benign is not then subjected to further curation. The score for this variant resulted in a classification of likely benign for this disease.

Illumina Laboratory Services, Illumina
Classification: Uncertain significance for Pyropoikilocytosis, hereditary. Last evaluated: 2018-01-12. Review status: criteria provided, single submitter. Criteria: ICSL Variant Classification Criteria 13 December 2019. Collection method: clinical testing. Allele origin: germline.

NM_003126.4(SPTA1):c.3108C>T (p.His1036=)

Gene: SPTA1 (spectrin alpha, erythrocytic 1; minus strand). Cytogenetic location: 1q23.1.
Variant type: single nucleotide variant.
Coding change: c.3108C>T on transcript NM_003126.4 (MANE Select); coding-DNA position 3108, C replaced by T.
Protein change: p.His1036=; no amino-acid change (histidine 1036 retained).
Molecular consequence: synonymous variant.
Genome position (GRCh38, 1-based): chr1:158,653,354, G>A on the plus strand (C>T on the coding strand, the complement: SPTA1 is on the minus strand). VCF-style: chr1-158653354-G-A. GRCh37 (hg19) VCF-style: chr1-158623144-G-A.
Other names: p.His1036=.
Identifiers: ClinVar variation 293003 (VCV000293003.40), dbSNP rs34886778, ClinGen allele CA1183172.
Genomic context (GRCh38, chr1:158,653,354, plus strand): 5'-GCGCTGGGTGATGTTTCCTGGCTCTTCTCGTCGCCGCTGTGGGAGCATCGGGAACTCATC[G>A]TGGGCCAGTCTTCTGACATAGACAGCTGGGACAATGCCCTGATGATCAGCAGCTTCCACC-3'
Protein context (NP_003117.2, residues 1026-1046): VPAVYVRRLA[His1036=]DEFPMLPQRR